The following is an entry in ClinVar:

ClinVar aggregate classification (germline): Uncertain significance (1 of 4 stars; one submission).

Conditions:
Autosomal recessive congenital ichthyosis 10 (ARCI10). Identifiers: Orphanet 79394, MedGen C3554355, MONDO:0014011, OMIM 615024.

Submission:

Laboratorio de Genetica e Diagnostico Molecular, Hospital Israelita Albert Einstein
Classification: Uncertain significance for Autosomal recessive congenital ichthyosis 10. Last evaluated: 2024-04-11. Review status: criteria provided, single submitter. Criteria: ACMG Guidelines, 2015. Collection method: clinical testing. Allele origin: germline. Affected: yes.
Comment: ACMG classification criteria: PM2 supporting

NM_001374623.1(PNPLA1):c.106C>G (p.Arg36Gly)

Gene: PNPLA1 (patatin like domain 1, omega-hydroxyceramide transacylase; plus strand). Cytogenetic location: 6p21.31.
Variant type: single nucleotide variant.
Coding change: c.106C>G on transcript NM_001374623.1 (MANE Select); coding-DNA position 106, C replaced by G.
Protein change: p.Arg36Gly; replaces arginine 36 with glycine.
Molecular consequence: missense variant. On other transcripts: intron variant (2).
Genome position (GRCh38, 1-based): chr6:36,270,565, C>G. VCF-style: chr6-36270565-C-G. GRCh37 (hg19) VCF-style: chr6-36238342-C-G.
Other names: c.106C>G, p.Arg36Gly (NM_001145717.1); c.-80-20755C>G (NM_001145716.2, NM_173676.2); short protein forms R36G.
Identifiers: ClinVar variation 4056742 (VCV004056742.1).